The following is an entry in ClinVar:

ClinVar aggregate classification (germline): Uncertain significance. Review status: criteria provided, multiple submitters, no conflicts (2 of 4 stars). 2 submissions from 2 submitters: Uncertain significance (2). Last evaluated 2023-03-02.

Conditions:
Nephronophthisis. Also called: Juvenile Nephronophthisis. Identifiers: Orphanet 655, MedGen C0687120, MONDO:0019005, HP:0000090.
Inborn genetic diseases. Identifiers: MedGen C0950123, MeSH D030342.

Allele frequency attached by ClinVar (database versions not stated): TOPMed below 0.00001.
gnomAD v4.1: 25 of 1,613,264 alleles (0.0015%); highest among the groups gnomAD compares: East Asian, 0.056%; no homozygotes.

Submissions (2):

Ambry Genetics
Classification: Uncertain significance for Inborn genetic diseases. Last evaluated: 2023-03-02. Review status: criteria provided, single submitter. Criteria: Ambry Variant Classification Scheme 2023. Collection method: clinical testing. Allele origin: germline.

Labcorp Genetics (formerly Invitae), Labcorp
Classification: Uncertain significance for Nephronophthisis. Last evaluated: 2022-09-06. Review status: criteria provided, single submitter. Criteria: Invitae Variant Classification Sherloc (09022015). Collection method: clinical testing. Allele origin: germline.
Comment: This sequence change replaces leucine, which is neutral and non-polar, with phenylalanine, which is neutral and non-polar, at codon 1250 of the NPHP4 protein (p.Leu1250Phe). This variant is present in population databases (no rsID available, gnomAD 0.006%). This variant has not been reported in the literature in individuals affected with NPHP4-related conditions. Algorithms developed to predict the effect of missense changes on protein structure and function are either unavailable or do not agree on the potential impact of this missense change (SIFT: "Deleterious"; PolyPhen-2: "Possibly Damaging"; Align-GVGD: "Class C0"). In summary, the available evidence is currently insufficient to determine the role of this variant in disease. Therefore, it has been classified as a Variant of Uncertain Significance.

NM_015102.5(NPHP4):c.3748C>T (p.Leu1250Phe)

Gene: NPHP4 (nephrocystin 4; minus strand). Cytogenetic location: 1p36.31.
Variant type: single nucleotide variant.
Coding change: c.3748C>T on transcript NM_015102.5 (MANE Select); coding-DNA position 3748, C replaced by T.
Protein change: p.Leu1250Phe; replaces leucine 1250 with phenylalanine.
Molecular consequence: missense variant. On other transcripts: non-coding transcript variant (1).
Genome position (GRCh38, 1-based): chr1:5,865,170, G>A on the plus strand (C>T on the coding strand, the complement: NPHP4 is on the minus strand). VCF-style: chr1-5865170-G-A. GRCh37 (hg19) VCF-style: chr1-5925230-G-A.
Other names: c.2209C>T, p.Leu737Phe (NM_001291593.2); c.2212C>T, p.Leu738Phe (NM_001291594.2); c.3748C>T (NM_015102.3); short protein forms L1250F, L737F, L738F.
Identifiers: ClinVar variation 2163838 (VCV002163838.6), dbSNP rs1041575948, ClinGen allele CA17125405.